The following is an entry in ClinVar:

NM_001291303.3(FAT4):c.14410A>G (p.Asn4804Asp)

Gene: FAT4 (FAT atypical cadherin 4; plus strand). Cytogenetic location: 4q28.1.
Variant type: single nucleotide variant.
Coding change: c.14410A>G on transcript NM_001291303.3 (MANE Select); coding-DNA position 14410, A replaced by G.
Protein change: p.Asn4804Asp; replaces asparagine 4804 with aspartic acid.
Molecular consequence: missense variant.
Genome position (GRCh38, 1-based): chr4:125,491,226, A>G. VCF-style: chr4-125491226-A-G. GRCh37 (hg19) VCF-style: chr4-126412381-A-G.
Other names: c.14407A>G, p.Asn4803Asp (NM_001291285.3); c.14404A>G, p.Asn4802Asp (NM_024582.6); short protein forms N4802D, N4803D, N4804D.
Identifiers: ClinVar variation 1924519 (VCV001924519.4), dbSNP rs896305306, ClinGen allele CA104876741.

ClinVar aggregate classification (germline): Uncertain significance (1 of 4 stars; one submission).

Allele frequency attached by ClinVar (database versions not stated): TOPMed 0.00001; gnomAD 0.00001; gnomAD exomes 0.00001.
gnomAD v4.1: 20 of 1,613,988 alleles (0.0012%); highest among the groups gnomAD compares: Non-Finnish European, 0.0015%; no homozygotes.

Submission:

Labcorp Genetics (formerly Invitae), Labcorp
Classification: Uncertain significance. Last evaluated: 2024-10-17. Review status: criteria provided, single submitter. Criteria: Invitae Variant Classification Sherloc (09022015). Collection method: clinical testing. Allele origin: germline.
Comment: This sequence change replaces asparagine, which is neutral and polar, with aspartic acid, which is acidic and polar, at codon 4802 of the FAT4 protein (p.Asn4802Asp). This variant is present in population databases (no rsID available, gnomAD 0.03%). This variant has not been reported in the literature in individuals affected with FAT4-related conditions. ClinVar contains an entry for this variant (Variation ID: 1924519). Invitae Evidence Modeling of protein sequence and biophysical properties (such as structural, functional, and spatial information, amino acid conservation, physicochemical variation, residue mobility, and thermodynamic stability) indicates that this missense variant is not expected to disrupt FAT4 protein function with a negative predictive value of 95%. In summary, the available evidence is currently insufficient to determine the role of this variant in disease. Therefore, it has been classified as a Variant of Uncertain Significance.